The following is an entry in ClinVar:

NM_000426.4(LAMA2):c.1670A>G (p.Gln557Arg)

Gene: LAMA2 (laminin subunit alpha 2; plus strand). Cytogenetic location: 6q22.33.
Variant type: single nucleotide variant.
Coding change: c.1670A>G on transcript NM_000426.4 (MANE Select); coding-DNA position 1670, A replaced by G.
Protein change: p.Gln557Arg; replaces glutamine 557 with arginine.
Molecular consequence: missense variant.
Genome position (GRCh38, 1-based): chr6:129,192,741, A>G. VCF-style: chr6-129192741-A-G. GRCh37 (hg19) VCF-style: chr6-129513886-A-G.
Other names: c.1670A>G, p.Gln557Arg (NM_001079823.2); short protein forms Q557R.
Identifiers: ClinVar variation 3635318 (VCV003635318.2).

ClinVar aggregate classification (germline): Uncertain significance (1 of 4 stars; one submission).

Conditions:
LAMA2-related muscular dystrophy (LAMA2-RD). Also called: Laminin alpha 2-related dystrophy. Identifiers: MedGen C5679788, MONDO:0100228.

Submission:

Labcorp Genetics (formerly Invitae), Labcorp
Classification: Uncertain significance for LAMA2-related muscular dystrophy. Last evaluated: 2024-09-06. Review status: criteria provided, single submitter. Criteria: Invitae Variant Classification Sherloc (09022015). Collection method: clinical testing. Allele origin: germline.
Comment: This sequence change replaces glutamine, which is neutral and polar, with arginine, which is basic and polar, at codon 557 of the LAMA2 protein (p.Gln557Arg). This variant is not present in population databases (gnomAD no frequency). This variant has not been reported in the literature in individuals affected with LAMA2-related conditions. Invitae Evidence Modeling of protein sequence and biophysical properties (such as structural, functional, and spatial information, amino acid conservation, physicochemical variation, residue mobility, and thermodynamic stability) indicates that this missense variant is not expected to disrupt LAMA2 protein function with a negative predictive value of 95%. In summary, the available evidence is currently insufficient to determine the role of this variant in disease. Therefore, it has been classified as a Variant of Uncertain Significance.